The following is an entry in ClinVar:

ClinVar aggregate classification (germline): Uncertain significance. Review status: criteria provided, multiple submitters, no conflicts (2 of 4 stars). 2 submissions from 2 submitters: Uncertain significance (2). Last evaluated 2022-06-20.

Conditions:
Imerslund-Grasbeck syndrome. Also called: Megaloblastic anemia due to inborn errors of metabolism; ENTEROCYTE COBALAMIN MALABSORPTION; ENTEROCYTE INTRINSIC FACTOR RECEPTOR, DEFECT OF; Imerslund-Gräsbeck syndrome; PERNICIOUS ANEMIA, JUVENILE, DUE TO SELECTIVE INTESTINAL MALABSORPTION OF VITAMIN B12, WITH PROTEINURIA. Identifiers: Orphanet 35858, MedGen C4551825, MONDO:0009853.
Imerslund-Grasbeck syndrome type 1 (IGS1). Also called: Megaloblastic anemia 1, Finnish type; MEGALOBLASTIC ANEMIA, 1; Imerslund-Gräsbeck syndrome 1. Identifiers: MedGen C4016819, MONDO:0100156, OMIM 261100.
Proteinuria, chronic benign. Identifiers: MedGen C5394384, MONDO:0030042, OMIM 618884.

Allele frequency attached by ClinVar (database versions not stated): gnomAD exomes 0.00002 and 0.00001; ESP Exome Variant Server 0.00008; gnomAD 0.00001; ExAC 0.00002; TOPMed 0.00002.
gnomAD v4.1: 17 of 1,613,758 alleles (0.0011%); highest among the groups gnomAD compares: East Asian, 0.0045%; no homozygotes.

Submissions (2):

Labcorp Genetics (formerly Invitae), Labcorp
Classification: Uncertain significance for Imerslund-Grasbeck syndrome. Last evaluated: 2022-06-20. Review status: criteria provided, single submitter. Criteria: Invitae Variant Classification Sherloc (09022015). Collection method: clinical testing. Allele origin: germline.
Comment: In summary, the available evidence is currently insufficient to determine the role of this variant in disease. Therefore, it has been classified as a Variant of Uncertain Significance. Algorithms developed to predict the effect of missense changes on protein structure and function output the following: SIFT: "Tolerated"; PolyPhen-2: "Benign"; Align-GVGD: "Class C0". The glutamine amino acid residue is found in multiple mammalian species, which suggests that this missense change does not adversely affect protein function. ClinVar contains an entry for this variant (Variation ID: 664524). This variant has not been reported in the literature in individuals affected with CUBN-related conditions. This variant is present in population databases (rs11254274, gnomAD 0.006%). This sequence change replaces arginine, which is basic and polar, with glutamine, which is neutral and polar, at codon 2444 of the CUBN protein (p.Arg2444Gln).

Fulgent Genetics
Classification: Uncertain significance for Imerslund-Grasbeck syndrome type 1; Proteinuria, chronic benign. Last evaluated: 2022-05-31. Review status: criteria provided, single submitter. Criteria: ACMG Guidelines, 2015. Collection method: clinical testing. Allele origin: unknown.

NM_001081.4(CUBN):c.7331G>A (p.Arg2444Gln)

Gene: CUBN (cubilin; minus strand). Cytogenetic location: 10p13.
Variant type: single nucleotide variant.
Coding change: c.7331G>A on transcript NM_001081.4 (MANE Select); coding-DNA position 7331, G replaced by A.
Protein change: p.Arg2444Gln; replaces arginine 2444 with glutamine.
Molecular consequence: missense variant.
Genome position (GRCh38, 1-based): chr10:16,915,052, C>T on the plus strand (G>A on the coding strand, the complement: CUBN is on the minus strand). VCF-style: chr10-16915052-C-T. GRCh37 (hg19) VCF-style: chr10-16957051-C-T.
Other names: short protein forms R2444Q.
Identifiers: ClinVar variation 664524 (VCV000664524.10), dbSNP rs11254274, ClinGen allele CA5423414.
Genomic context (GRCh38, chr10:16,915,052, plus strand): 5'-CAGGTGCTCAATGTTGTGTTGAATGAATCAATGAACTCACCTTCCATACTGGATTCAAAT[C>T]GCAGTCTGAATCCTGAGGCAGTCACAGAGCCGTCTGTGACAAACCTGACCACAGCAGTAT-3'
Protein context (NP_001072.2, residues 2434-2454): GSVTASGFRL[Arg2444Gln]FESSMEECGG